The following is an entry in ClinVar:

NM_001010874.5(TECRL):c.118G>C (p.Val40Leu)

Gene: TECRL (trans-2,3-enoyl-CoA reductase like; minus strand). Cytogenetic location: 4q13.1.
Variant type: single nucleotide variant.
Coding change: c.118G>C on transcript NM_001010874.5 (MANE Select); coding-DNA position 118, G replaced by C.
Protein change: p.Val40Leu; replaces valine 40 with leucine.
Molecular consequence: missense variant.
Genome position (GRCh38, 1-based): chr4:64,409,234, C>G on the plus strand (G>C on the coding strand, the complement: TECRL is on the minus strand). VCF-style: chr4-64409234-C-G. GRCh37 (hg19) VCF-style: chr4-65274952-C-G.
Other names: c.118G>C, p.Val40Leu (NM_001363796.1); short protein forms V40L.
Identifiers: ClinVar variation 1744607 (VCV001744607.2), dbSNP rs1189145732, ClinGen allele CA357149206.

ClinVar aggregate classification (germline): Uncertain significance (1 of 4 stars; one submission).

Conditions:
Cardiovascular phenotype. Identifiers: MedGen CN230736.

Submission:

Ambry Genetics
Classification: Uncertain significance for Cardiovascular phenotype. Last evaluated: 2022-04-21. Review status: criteria provided, single submitter. Criteria: Ambry Variant Classification Scheme 2023. Collection method: clinical testing. Allele origin: germline.
Comment: The p.V40L variant (also known as c.118G>C), located in coding exon 1 of the TECRL gene, results from a G to C substitution at nucleotide position 118. The valine at codon 40 is replaced by leucine, an amino acid with highly similar properties. This amino acid position is conserved. In addition, this alteration is predicted to be tolerated by in silico analysis. Since supporting evidence is limited at this time, the clinical significance of this alteration remains unclear.